The following is an entry in ClinVar:

NM_001142800.2(EYS):c.4311G>T (p.Glu1437Asp)

Gene: EYS (EGF-like photoreceptor maintenance factor; minus strand). Cytogenetic location: 6q12.
Variant type: single nucleotide variant.
Coding change: c.4311G>T on transcript NM_001142800.2 (MANE Select); coding-DNA position 4311, G replaced by T.
Protein change: p.Glu1437Asp; replaces glutamic acid 1437 with aspartic acid.
Molecular consequence: missense variant.
Genome position (GRCh38, 1-based): chr6:64,591,556, C>A on the plus strand (G>T on the coding strand, the complement: EYS is on the minus strand). VCF-style: chr6-64591556-C-A. GRCh37 (hg19) VCF-style: chr6-65301449-C-A.
Other names: c.4311G>T, p.Glu1437Asp (NM_001292009.2); short protein forms E1437D.
Identifiers: ClinVar variation 2418122 (VCV002418122.5), dbSNP rs2149832248, ClinGen allele CA364783594.

ClinVar aggregate classification (germline): Uncertain significance (1 of 4 stars; one submission).

Submission:

Labcorp Genetics (formerly Invitae), Labcorp
Classification: Uncertain significance. Last evaluated: 2022-05-19. Review status: criteria provided, single submitter. Criteria: Invitae Variant Classification Sherloc (09022015). Collection method: clinical testing. Allele origin: germline.
Comment: In summary, the available evidence is currently insufficient to determine the role of this variant in disease. Therefore, it has been classified as a Variant of Uncertain Significance. Algorithms developed to predict the effect of missense changes on protein structure and function (SIFT, PolyPhen-2, Align-GVGD) all suggest that this variant is likely to be tolerated. This variant has not been reported in the literature in individuals affected with EYS-related conditions. This variant is not present in population databases (gnomAD no frequency). This sequence change replaces glutamic acid, which is acidic and polar, with aspartic acid, which is acidic and polar, at codon 1437 of the EYS protein (p.Glu1437Asp).